The following is an entry in ClinVar:

NM_014270.5(SLC7A9):c.1304G>A (p.Trp435Ter)

Gene: SLC7A9 (solute carrier family 7 member 9; minus strand). Cytogenetic location: 19q13.11.
Variant type: single nucleotide variant.
Coding change: c.1304G>A on transcript NM_014270.5 (MANE Select); coding-DNA position 1304, G replaced by A.
Protein change: p.Trp435Ter; replaces tryptophan 435 with a stop codon.
Molecular consequence: nonsense.
Genome position (GRCh38, 1-based): chr19:32,833,244, C>T on the plus strand (G>A on the coding strand, the complement: SLC7A9 is on the minus strand). VCF-style: chr19-32833244-C-T. GRCh37 (hg19) VCF-style: chr19-33324150-C-T.
Other names: c.1304G>A, p.Trp435Ter (NM_001126335.2, NM_001243036.2); short protein forms W435*.
Identifiers: ClinVar variation 1974337 (VCV001974337.6), dbSNP rs753324280, ClinGen allele CA9358437.

ClinVar aggregate classification (germline): Pathogenic/Likely pathogenic. Review status: criteria provided, multiple submitters, no conflicts (2 of 4 stars). 2 submissions from 2 submitters: Pathogenic (1); Likely pathogenic (1). Last evaluated 2024-06-22.

Conditions:
Cystinuria (CSNU). Also called: Cystinuria, non-type I; CYSTINURIA, TYPE I; CYSTINURIA, TYPE II; CYSTINURIA, TYPE III. Identifiers: Orphanet 214, MedGen C0010691, MONDO:0009067, OMIM 220100, HP:0003131.

Allele frequency attached by ClinVar (database versions not stated): TOPMed below 0.00001; gnomAD 0.00001; ExAC 0.00002.
gnomAD v4.1: 11 of 1,614,028 alleles (0.00068%); highest among the groups gnomAD compares: South Asian, 0.0011%; no homozygotes.

Submissions (2):

Fulgent Genetics
Classification: Likely pathogenic for Cystinuria. Last evaluated: 2024-06-22. Review status: criteria provided, single submitter. Criteria: ACMG Guidelines, 2015. Collection method: clinical testing. Allele origin: germline.

Labcorp Genetics (formerly Invitae), Labcorp
Classification: Pathogenic. Last evaluated: 2023-05-22. Review status: criteria provided, single submitter. Criteria: Invitae Variant Classification Sherloc (09022015). Collection method: clinical testing. Allele origin: germline.
Comment: This variant is present in population databases (rs753324280, gnomAD 0.003%). This sequence change creates a premature translational stop signal (p.Trp435*) in the SLC7A9 gene. It is expected to result in an absent or disrupted protein product. Loss-of-function variants in SLC7A9 are known to be pathogenic (PMID: 11157794, 16838140, 25296721). This variant has not been reported in the literature in individuals affected with SLC7A9-related conditions. ClinVar contains an entry for this variant (Variation ID: 1974337). For these reasons, this variant has been classified as Pathogenic.

Literature cited by the submitters: PubMed 11157794 (cited by Labcorp Genetics (formerly Invitae), Labcorp); PubMed 16838140 (cited by Labcorp Genetics (formerly Invitae), Labcorp); PubMed 25296721 (cited by Labcorp Genetics (formerly Invitae), Labcorp).